The following is an entry in ClinVar:

ClinVar aggregate classification (germline): Uncertain significance (1 of 4 stars; one submission).

Submission:

Dasa
Classification: Uncertain significance. Last evaluated: 2025-09-10. Review status: criteria provided, single submitter. Criteria: DASA Assertion Criteria. Collection method: clinical testing. Allele origin: germline.
Comment: NM_005862.3(STAG1):c.1104A>T (p.Glu368Asp) is a missense variant that results in the substitution of glutamic acid with aspartic acid. This variant is absent from population databases. The currently available literature and clinical evidence are not sufficient to establish a definitive association between this variant and the reported condition. Therefore, this variant is classified as a variant of uncertain significance.

NM_005862.3(STAG1):c.1104A>T (p.Glu368Asp)

Gene: STAG1 (STAG1 cohesin complex component; minus strand). Cytogenetic location: 3q22.3.
Variant type: single nucleotide variant.
Coding change: c.1104A>T on transcript NM_005862.3 (MANE Select); coding-DNA position 1104, A replaced by T.
Protein change: p.Glu368Asp; replaces glutamic acid 368 with aspartic acid.
Molecular consequence: missense variant.
Genome position (GRCh38, 1-based): chr3:136,473,560, T>A on the plus strand (A>T on the coding strand, the complement: STAG1 is on the minus strand). VCF-style: chr3-136473560-T-A. GRCh37 (hg19) VCF-style: chr3-136192402-T-A.
Other names: short protein forms E368D.
Identifiers: ClinVar variation 4882176 (VCV004882176.2).